The following is an entry in ClinVar:

ClinVar aggregate classification (germline): Uncertain significance (1 of 4 stars; one submission).

Conditions:
46,XY sex reversal 9 (SRXY9). Also called: 46,XY SEX REVERSAL, ZFPM2-RELATED. Identifiers: Orphanet 251510, MedGen C4015129, MONDO:0014480, OMIM 616067.

Allele frequency attached by ClinVar (database versions not stated): ExAC 0.00001; gnomAD 0.00001; gnomAD exomes 0.00001; TOPMed 0.00001.
gnomAD v4.1: 4 of 1,613,764 alleles (0.00025%); highest among the groups gnomAD compares: African/African-American, 0.004%; no homozygotes.

Submission:

Labcorp Genetics (formerly Invitae), Labcorp
Classification: Uncertain significance for 46,XY sex reversal 9. Last evaluated: 2021-03-04. Review status: criteria provided, single submitter. Criteria: Invitae Variant Classification Sherloc (09022015). Collection method: clinical testing. Allele origin: germline.
Comment: This variant is present in population databases (rs768944942, ExAC 0.01%). In summary, the available evidence is currently insufficient to determine the role of this variant in disease. Therefore, it has been classified as a Variant of Uncertain Significance. Algorithms developed to predict the effect of missense changes on protein structure and function are either unavailable or do not agree on the potential impact of this missense change (SIFT: "Tolerated"; PolyPhen-2: "Probably Damaging"; Align-GVGD: "Class C0"). This variant has not been reported in the literature in individuals with ZFPM2-related conditions. This sequence change replaces valine with leucine at codon 565 of the ZFPM2 protein (p.Val565Leu). The valine residue is highly conserved and there is a small physicochemical difference between valine and leucine.

NM_012082.4(ZFPM2):c.1693G>T (p.Val565Leu)

Genes: ZFPM2 (zinc finger protein, FOG family member 2; plus strand), ZFPM2-AS1 (ZFPM2 antisense RNA 1; minus strand). Cytogenetic location: 8q23.1.
Variant type: single nucleotide variant.
Coding change: c.1693G>T on transcript NM_012082.4 (MANE Select); coding-DNA position 1693, G replaced by T.
Protein change: p.Val565Leu; replaces valine 565 with leucine.
Molecular consequence: missense variant.
Genome position (GRCh38, 1-based): chr8:105,801,775, G>T. VCF-style: chr8-105801775-G-T. GRCh37 (hg19) VCF-style: chr8-106814003-G-T.
Other names: c.1534G>T, p.Val512Leu (NM_001362836.2); c.1297G>T, p.Val433Leu (NM_001362837.2); short protein forms V565L, V433L, V512L.
Identifiers: ClinVar variation 1448705 (VCV001448705.8), dbSNP rs768944942, ClinGen allele CA4839791.